The following is an entry in ClinVar:

NM_015047.3(EMC1):c.287-6T>C

Gene: EMC1 (ER membrane protein complex subunit 1; minus strand). Cytogenetic location: 1p36.13.
Variant type: single nucleotide variant.
Coding change: c.287-6T>C on transcript NM_015047.3 (MANE Select); 6 bases into the intron before coding-DNA position 287, T replaced by C.
Molecular consequence: intron variant.
Genome position (GRCh38, 1-based): chr1:19,243,713, A>G on the plus strand (T>C on the coding strand, the complement: EMC1 is on the minus strand). VCF-style: chr1-19243713-A-G. GRCh37 (hg19) VCF-style: chr1-19570207-A-G.
Other names: c.221-6T>C (NM_001271429.2); c.287-6T>C (NM_001271427.2, NM_001375821.1, NM_001271428.2 and 1 more transcripts).
Identifiers: ClinVar variation 2752146 (VCV002752146.3), dbSNP rs2536806378, ClinGen allele CA2697552229.

ClinVar aggregate classification (germline): Uncertain significance (1 of 4 stars; one submission).

Submission:

Labcorp Genetics (formerly Invitae), Labcorp
Classification: Uncertain significance. Last evaluated: 2023-08-11. Review status: criteria provided, single submitter. Criteria: Invitae Variant Classification Sherloc (09022015). Collection method: clinical testing. Allele origin: germline.
Comment: This variant has not been reported in the literature in individuals affected with EMC1-related conditions. Algorithms developed to predict the effect of sequence changes on RNA splicing suggest that this variant may create or strengthen a splice site. In summary, the available evidence is currently insufficient to determine the role of this variant in disease. Therefore, it has been classified as a Variant of Uncertain Significance. This variant is not present in population databases (gnomAD no frequency). This sequence change falls in intron 3 of the EMC1 gene. It does not directly change the encoded amino acid sequence of the EMC1 protein.